The following is an entry in ClinVar:

NM_139076.3(ABRAXAS1):c.68T>C (p.Leu23Pro)

Genes: ABRAXAS1 (abraxas 1, BRCA1 A complex subunit; minus strand), LOC129992784 (ATAC-STARR-seq lymphoblastoid silent region 15542; plus strand). Cytogenetic location: 4q21.23.
Variant type: single nucleotide variant.
Coding change: c.68T>C on transcript NM_139076.3 (MANE Select); coding-DNA position 68, T replaced by C.
Protein change: p.Leu23Pro; replaces leucine 23 with proline.
Molecular consequence: missense variant. On other transcripts: 5 prime UTR variant (1).
Genome position (GRCh38, 1-based): chr4:83,485,005, A>G on the plus strand (T>C on the coding strand, the complement: ABRAXAS1 is on the minus strand). VCF-style: chr4-83485005-A-G. GRCh37 (hg19) VCF-style: chr4-84406158-A-G.
Other names: c.-193T>C (NM_001345962.2); short protein forms L23P.
Identifiers: ClinVar variation 3442932 (VCV003442932.1).

ClinVar aggregate classification (germline): Uncertain significance (1 of 4 stars; one submission).

Submission:

Ambry Genetics
Classification: Uncertain significance. Last evaluated: 2024-11-15. Review status: criteria provided, single submitter. Criteria: Ambry Variant Classification Scheme 2023. Collection method: clinical testing. Allele origin: germline.
Comment: The p.L23P variant (also known as c.68T>C), located in coding exon 1 of the FAM175A gene, results from a T to C substitution at nucleotide position 68. The leucine at codon 23 is replaced by proline, an amino acid with similar properties. This amino acid position is conserved. In addition, the in silico prediction for this alteration is inconclusive. Based on the available evidence, the clinical significance of this variant remains unclear.